The following is an entry in ClinVar:

ClinVar aggregate classification (germline): Uncertain significance (1 of 4 stars; one submission).

Conditions:
Frontotemporal dementia and/or amyotrophic lateral sclerosis 1 (FTDALS1). Also called: C9orf72 Frontotemporal Dementia and/or Amyotrophic Lateral Sclerosis; Frontotemporal dementia with motor neuron disease 1. Identifiers: Orphanet 275872, MedGen C5779877, MONDO:0007105, OMIM 105550.
Paget disease of bone 2, early-onset (PDB2). Also called: Paget disease of bone 2. Identifiers: MedGen C4085251, MONDO:0011183, OMIM 602080.

Submission:

Labcorp Genetics (formerly Invitae), Labcorp
Classification: Uncertain significance for Paget disease of bone 2, early-onset; Frontotemporal dementia and/or amyotrophic lateral sclerosis 1. Last evaluated: 2025-03-19. Review status: criteria provided, single submitter. Criteria: Invitae Variant Classification Sherloc (09022015). Collection method: clinical testing. Allele origin: germline.
Comment: This sequence change replaces isoleucine, which is neutral and non-polar, with asparagine, which is neutral and polar, at codon 424 of the SQSTM1 protein (p.Ile424Asn). This variant is not present in population databases (gnomAD no frequency). This variant has not been reported in the literature in individuals affected with SQSTM1-related conditions. Invitae Evidence Modeling of protein sequence and biophysical properties (such as structural, functional, and spatial information, amino acid conservation, physicochemical variation, residue mobility, and thermodynamic stability) indicates that this missense variant is expected to disrupt SQSTM1 protein function with a positive predictive value of 80%. This variant disrupts the p.Ile424 amino acid residue in SQSTM1. Other variant(s) that disrupt this residue have been determined to be pathogenic (PMID: 20499339, 24642144). This suggests that this residue is clinically significant, and that variants that disrupt this residue are likely to be disease-causing. In summary, the available evidence is currently insufficient to determine the role of this variant in disease. Therefore, it has been classified as a Variant of Uncertain Significance.

Literature cited by the submitters: PubMed 20499339; PubMed 24642144.

NM_003900.5(SQSTM1):c.1271T>A (p.Ile424Asn)

Gene: SQSTM1 (sequestosome 1; plus strand). Cytogenetic location: 5q35.3.
Variant type: single nucleotide variant.
Coding change: c.1271T>A on transcript NM_003900.5 (MANE Select); coding-DNA position 1271, T replaced by A.
Protein change: p.Ile424Asn; replaces isoleucine 424 with asparagine.
Molecular consequence: missense variant.
Genome position (GRCh38, 1-based): chr5:179,836,541, T>A. VCF-style: chr5-179836541-T-A. GRCh37 (hg19) VCF-style: chr5-179263541-T-A.
Other names: c.1019T>A, p.Ile340Asn (NM_001142298.2, NM_001142299.2); short protein forms I340N, I424N.
Identifiers: ClinVar variation 4783277 (VCV004783277.1).